The following is an entry in ClinVar:

ClinVar aggregate classification (germline): Uncertain significance (0 of 4 stars; one submission).

Allele frequency attached by ClinVar (database versions not stated): gnomAD 0.00001; gnomAD exomes 0.00001; TOPMed 0.00001; ExAC 0.00002.
gnomAD v4.1: 12 of 1,613,768 alleles (0.00074%); highest among the groups gnomAD compares: Non-Finnish European, 0.00093%; no homozygotes.

Submission:

Department of Pathology and Laboratory Medicine, Sinai Health System
Classification: Uncertain significance. Review status: no assertion criteria provided. Collection method: clinical testing. Allele origin: unknown. Affected: yes. Study: The Canadian Open Genetics Repository (COGR).
Comment: The variant was also identified in dbSNP (ID: rs762108057). The variant was not identified in the ClinVar, Clinvitae, Cosmic, MutDB or LOVD 3.0 databases. The variant was identified in control databases in 3 of 251148 chromosomes at a frequency of 0.000012 (Genome Aggregation Database Feb 27, 2017). The variant was observed in the following population: European (Non-Finnish) in 3 of 113508 chromosomes (freq: 0.000026), but not in the African, Latino, Ashkenazi Jewish, East Asian, European (Finnish), Other and South Asian populations. The c.6127C>T variant leads to a premature stop codon at position 2043 which is predicted to lead to a truncated or absent protein and loss of function, however there is currently limited information about the relationship between loss of function POLQ variants and disease. In summary, based on the above information the clinical significance of this variant cannot be determined with certainty at this time. This variant is classified as a variant of uncertain significance.

NM_199420.4(POLQ):c.6127C>T (p.Arg2043Ter)

Gene: POLQ (DNA polymerase theta; minus strand). Cytogenetic location: 3q13.33.
Variant type: single nucleotide variant.
Coding change: c.6127C>T on transcript NM_199420.4 (MANE Select); coding-DNA position 6127, C replaced by T.
Protein change: p.Arg2043Ter; replaces arginine 2043 with a stop codon.
Molecular consequence: nonsense.
Genome position (GRCh38, 1-based): chr3:121,481,656, G>A on the plus strand (C>T on the coding strand, the complement: POLQ is on the minus strand). VCF-style: chr3-121481656-G-A. GRCh37 (hg19) VCF-style: chr3-121200503-G-A.
Other names: short protein forms R2043*.
Identifiers: ClinVar variation 1049251 (VCV001049251.1), dbSNP rs762108057, ClinGen allele CA2562563.